The following is an entry in ClinVar:

NM_206933.4(USH2A):c.9898G>A (p.Val3300Met)

Gene: USH2A (usherin; minus strand). Cytogenetic location: 1q41.
Variant type: single nucleotide variant.
Coding change: c.9898G>A on transcript NM_206933.4 (MANE Select); coding-DNA position 9898, G replaced by A.
Protein change: p.Val3300Met; replaces valine 3300 with methionine.
Molecular consequence: missense variant.
Genome position (GRCh38, 1-based): chr1:215,798,967, C>T on the plus strand (G>A on the coding strand, the complement: USH2A is on the minus strand). VCF-style: chr1-215798967-C-T. GRCh37 (hg19) VCF-style: chr1-215972309-C-T.
Other names: short protein forms V3300M.
Identifiers: ClinVar variation 3603146 (VCV003603146.1).

ClinVar aggregate classification (germline): Uncertain significance (1 of 4 stars; one submission).

gnomAD v4.1: 3 of 1,614,120 alleles (0.00019%); no homozygotes.

Submission:

GeneDx
Classification: Uncertain significance. Last evaluated: 2024-08-07. Review status: criteria provided, single submitter. Criteria: GeneDx Variant Classification Process June 2021. Collection method: clinical testing. Allele origin: germline. Affected: yes.
Comment: Not observed at significant frequency in large population cohorts (gnomAD); In silico analysis indicates that this missense variant does not alter protein structure/function; Has not been previously published as pathogenic or benign to our knowledge